The following is an entry in ClinVar:

NM_000520.6(HEXA):c.1559G>A (p.Gly520Asp)

Gene: HEXA (hexosaminidase subunit alpha; minus strand). Cytogenetic location: 15q23.
Variant type: single nucleotide variant.
Coding change: c.1559G>A on transcript NM_000520.6 (MANE Select); coding-DNA position 1559, G replaced by A.
Protein change: p.Gly520Asp; replaces glycine 520 with aspartic acid.
Molecular consequence: missense variant.
Genome position (GRCh38, 1-based): chr15:72,344,108, C>T on the plus strand (G>A on the coding strand, the complement: HEXA is on the minus strand). VCF-style: chr15-72344108-C-T. GRCh37 (hg19) VCF-style: chr15-72636449-C-T.
Other names: c.1592G>A, p.Gly531Asp (NM_001318825.2); c.1559G>A (NM_000520.5); short protein forms G531D, G520D.
Identifiers: ClinVar variation 1775212 (VCV001775212.3), dbSNP rs2542505621, ClinGen allele CA393057421.

ClinVar aggregate classification (germline): Likely pathogenic. Review status: criteria provided, multiple submitters, no conflicts (2 of 4 stars). 2 submissions from 2 submitters: Likely pathogenic (2). Last evaluated 2024-11-08.

Conditions:
Tay-Sachs disease (TSD). Also called: Hexosaminidase A Deficiency; HEXA DEFICIENCY; HEXA Disorders; GM2 gangliosidosis, type 1; Hexosaminidase alpha-subunit deficiency (variant B); Sphingolipidosis, Tay-Sachs. Identifiers: Orphanet 845, MedGen C0039373, MONDO:0010100, OMIM 272800.
Inborn genetic diseases. Identifiers: MedGen C0950123, MeSH D030342.

Allele frequency attached by ClinVar (database versions not stated): gnomAD exomes below 0.00001.
gnomAD v4.1: 1 of 1,613,958 alleles (0.000062%); highest among the groups gnomAD compares: Non-Finnish European, 0.000085%; no homozygotes.

Submissions (2):

Natera, Inc.
Classification: Likely pathogenic for Tay-Sachs disease. Last evaluated: 2024-11-08. Review status: criteria provided, single submitter. Criteria: Natera Variant Classification Schema (03/2026). Collection method: clinical testing. Allele origin: germline.
Comment: The c.1559G>A variant in HEXA is a missense variant predicted to cause substitution of glycine to aspartic acid at amino acid 520. This variant is rare in the general population with a frequency below the threshold expected for the associated phenotype(s). This variant has been observed in one or more individuals affected with the associated recessive disease, as either homozygous or compound heterozygous with a second variant (PMID: 36700853). Additionally, this variant has been observed to segregate in affected family members (PMID: 36700853). Computational prediction algorithms indicate this variant is likely to affect gene or protein function. Given the available evidence, this variant is classified as Likely Pathogenic.

Ambry Genetics
Classification: Likely pathogenic for Inborn genetic diseases. Last evaluated: 2014-11-21. Review status: criteria provided, single submitter. Criteria: Ambry Variant Classification Scheme 2023. Collection method: clinical testing. Allele origin: germline.
Comment: The p.G520D variant (also known as c.1559G>A), located in coding exon 14 of the HEXA gene, results from a G to A substitution at nucleotide position 1559. The glycine at codon 520 is replaced by aspartic acid, an amino acid with some similar properties. This variant was not reported in population based cohorts in the following databases: Database of Single Nucleotide Polymorphisms (dbSNP), NHLBI Exome Sequencing Project (ESP), and 1000 Genomes Project. In the ESP, this variant was not observed in 6496 samples (12992 alleles) with coverage at this position. This amino acid position is highly conserved in available vertebrate species. In addition, this alteration is predicted to be deleterious by in silico analysis. Based on the majority of available evidence to date, this variant is likely to be pathogenic.

Literature cited by the submitters: PubMed 36700853 (cited by Natera, Inc.).